The following is an entry in ClinVar:

NM_006031.6(PCNT):c.1848C>T (p.His616=)

Gene: PCNT (pericentrin; plus strand). Cytogenetic location: 21q22.3.
Variant type: single nucleotide variant.
Coding change: c.1848C>T on transcript NM_006031.6 (MANE Select); coding-DNA position 1848, C replaced by T.
Protein change: p.His616=; no amino-acid change (histidine 616 retained).
Molecular consequence: synonymous variant.
Genome position (GRCh38, 1-based): chr21:46,355,538, C>T. VCF-style: chr21-46355538-C-T. GRCh37 (hg19) VCF-style: chr21-47775453-C-T.
Other names: c.1494C>T, p.His498= (NM_001315529.2); c.1848C>T (NM_006031.5).
Identifiers: ClinVar variation 2652823 (VCV002652823.29), dbSNP rs1489122760, ClinGen allele CA512732255.

ClinVar aggregate classification (germline): Likely benign. Review status: criteria provided, multiple submitters, no conflicts (2 of 4 stars). 4 submissions from 4 submitters: Likely benign (3). 1 of the submissions does not count toward it. Last evaluated 2024-09-13.

Conditions:
PCNT-related disorder. Also called: PCNT-related condition.

Allele frequency attached by ClinVar (database versions not stated): TOPMed below 0.00001.
gnomAD v4.1: 13 of 1,613,964 alleles (0.00081%); highest among the groups gnomAD compares: Middle Eastern, 0.016%; no homozygotes.

Submissions (4):

Blueprint Genetics
Classification: Likely benign. Last evaluated: 2024-09-13. Review status: criteria provided, single submitter. Criteria: ACMG Guidelines, 2015. Collection method: clinical testing. Allele origin: germline.

Labcorp Genetics (formerly Invitae), Labcorp
Classification: Likely benign. Last evaluated: 2023-11-15. Review status: criteria provided, single submitter. Criteria: Invitae Variant Classification Sherloc (09022015). Collection method: clinical testing. Allele origin: germline.

CeGaT Center for Human Genetics Tuebingen
Classification: Likely benign. Last evaluated: 2023-01-01. Review status: criteria provided, single submitter. Criteria: CeGaT Center For Human Genetics Tuebingen Variant Classification Criteria Version 2. Collection method: clinical testing. Allele origin: germline. Affected: yes. Observed: 1 variant allele.
Comment: PCNT: BP4, BP7

PreventionGenetics, part of Exact Sciences
Classification: Likely benign for PCNT-related condition. Last evaluated: 2023-10-26. Review status: no assertion criteria provided. Collection method: clinical testing. Allele origin: germline. Not counted in ClinVar's aggregate classification.
Comment: This variant is classified as likely benign based on ACMG/AMP sequence variant interpretation guidelines (Richards et al. 2015 PMID: 25741868, with internal and published modifications).